The following is an entry in ClinVar:

NM_001142800.2(EYS):c.6434T>G (p.Leu2145Ter)

Gene: EYS (EGF-like photoreceptor maintenance factor; minus strand). Cytogenetic location: 6q12.
Variant type: single nucleotide variant.
Coding change: c.6434T>G on transcript NM_001142800.2 (MANE Select); coding-DNA position 6434, T replaced by G.
Protein change: p.Leu2145Ter; replaces leucine 2145 with a stop codon.
Molecular consequence: nonsense.
Genome position (GRCh38, 1-based): chr6:64,081,993, A>C on the plus strand (T>G on the coding strand, the complement: EYS is on the minus strand). VCF-style: chr6-64081993-A-C. GRCh37 (hg19) VCF-style: chr6-64791886-A-C.
Other names: c.6434T>G, p.Leu2145Ter (NM_001292009.2); short protein forms L2145*.
Identifiers: ClinVar variation 5014323 (VCV005014323.1).

ClinVar aggregate classification (germline): Pathogenic (1 of 4 stars; one submission).

Conditions:
Retinitis pigmentosa 25 (RP25). Identifiers: Orphanet 791, MedGen C1864446, MONDO:0011272, OMIM 602772.

Submission:

Myriad Genetics, Inc.
Classification: Pathogenic for Retinitis pigmentosa 25. Last evaluated: 2025-04-12. Review status: criteria provided, single submitter. Criteria: Myriad Autosomal Dominant, Autosomal Recessive and X-Linked Classification Criteria (2023). Collection method: clinical testing. Allele origin: unknown.
Comment: NM_001142800.1(EYS):c.6434T>G(L2145*) is expected to be pathogenic in the context of retinitis pigmentosa, EYS-related. This variant is predicted to lead to an abnormal or absent protein product due to the creation of a premature termination codon in EYS, a gene where loss-of-function variants are known to be pathogenic. Please note: this variant was assessed in the context of healthy population screening.